The following is an entry in ClinVar:

ClinVar aggregate classification (germline): Uncertain significance (1 of 4 stars; one submission).

Conditions:
Dilated cardiomyopathy 1AA (CMD1AA). Also called: CARDIOMYOPATHY, DILATED, 1AA, WITH OR WITHOUT LEFT VENTRICULAR NONCOMPACTION; CARDIOMYOPATHY, FAMILIAL HYPERTROPHIC, 23, WITH OR WITHOUT LEFT VENTRICULAR NONCOMPACTION; Cardiomyopathy, dilated, 1AA, with or without LVNC. Identifiers: Orphanet 154, MedGen C2677338, MONDO:0012808, OMIM 612158.
Primary familial hypertrophic cardiomyopathy (HCM). Identifiers: Orphanet 99739, MedGen C0949658, MeSH D024741, MONDO:0024573. Inheritance: Various modes of inheritance.

Allele frequency attached by ClinVar (database versions not stated): gnomAD exomes below 0.00001 and 0.00001; TOPMed below 0.00001.
gnomAD v4.1: 12 of 1,614,092 alleles (0.00074%); highest among the groups gnomAD compares: East Asian, 0.025%; no homozygotes.

Submission:

Labcorp Genetics (formerly Invitae), Labcorp
Classification: Uncertain significance for Primary familial hypertrophic cardiomyopathy; Dilated cardiomyopathy 1AA. Last evaluated: 2025-02-16. Review status: criteria provided, single submitter. Criteria: Invitae Variant Classification Sherloc (09022015). Collection method: clinical testing. Allele origin: germline.
Comment: This sequence change replaces glycine, which is neutral and non-polar, with serine, which is neutral and polar, at codon 419 of the ACTN2 protein (p.Gly419Ser). This variant also falls at the last nucleotide of exon 11, which is part of the consensus splice site for this exon. This variant is present in population databases (no rsID available, gnomAD 0.006%). This variant has not been reported in the literature in individuals affected with ACTN2-related conditions. ClinVar contains an entry for this variant (Variation ID: 579033). An algorithm developed to predict the effect of missense changes on protein structure and function (PolyPhen-2) suggests that this variant is likely to be disruptive. Variants that disrupt the consensus splice site are a relatively common cause of aberrant splicing (PMID: 17576681, 9536098). In summary, the available evidence is currently insufficient to determine the role of this variant in disease. Therefore, it has been classified as a Variant of Uncertain Significance.

Literature cited by the submitters: PubMed 17576681; PubMed 9536098.

NM_001103.4(ACTN2):c.1255G>A (p.Gly419Ser)

Gene: ACTN2 (actinin alpha 2; plus strand). Cytogenetic location: 1q43.
Variant type: single nucleotide variant.
Coding change: c.1255G>A on transcript NM_001103.4 (MANE Select); coding-DNA position 1255, G replaced by A.
Protein change: p.Gly419Ser; replaces glycine 419 with serine.
Molecular consequence: missense variant.
Genome position (GRCh38, 1-based): chr1:236,743,043, G>A. VCF-style: chr1-236743043-G-A. GRCh37 (hg19) VCF-style: chr1-236906343-G-A.
Other names: c.1255G>A, p.Gly419Ser (NM_001278343.2); c.631G>A, p.Gly211Ser (NM_001278344.2); short protein forms G419S, G211S.
Identifiers: ClinVar variation 579033 (VCV000579033.18), dbSNP rs1164161500, ClinGen allele CA345382571.